The following is an entry in ClinVar:

ClinVar aggregate classification (germline): Pathogenic (1 of 4 stars; one submission).

Submission:

Labcorp Genetics (formerly Invitae), Labcorp
Classification: Pathogenic. Last evaluated: 2022-12-31. Review status: criteria provided, single submitter. Criteria: Invitae Variant Classification Sherloc (09022015). Collection method: clinical testing. Allele origin: germline.
Comment: For these reasons, this variant has been classified as Pathogenic. This variant has not been reported in the literature in individuals affected with LHX3-related conditions. This variant is not present in population databases (gnomAD no frequency). This sequence change creates a premature translational stop signal (p.Cys83Serfs*95) in the LHX3 gene. It is expected to result in an absent or disrupted protein product. Loss-of-function variants in LHX3 are known to be pathogenic (PMID: 16394081, 18407919).

Literature cited by the submitters: PubMed 16394081; PubMed 18407919.

NM_178138.6(LHX3):c.233del (p.Cys78fs)

Gene: LHX3 (LIM homeobox 3; minus strand). Cytogenetic location: 9q34.3.
Variant type: Deletion.
Coding change: c.233del on transcript NM_178138.6 (MANE Select); coding-DNA position 233, one base deleted (G; older notation c.233delG).
Protein change: p.Cys78fs; shifts the reading frame from cysteine 78.
Molecular consequence: frameshift variant.
Genome position (GRCh38, 1-based): chr9:136,200,600, C deleted on the plus strand (G on the coding strand, the reverse complement: LHX3 is on the minus strand). VCF-style (leftmost placement, unchanged base first): chr9-136200599-GC-G. GRCh37 (hg19) VCF-style: chr9-139092445-GC-G.
Other names: c.200del, p.Cys67fs (NM_001363746.1); c.248del, p.Cys83fs (NM_014564.5); short protein forms C67fs, C78fs, C83fs.
Identifiers: ClinVar variation 2851429 (VCV002851429.3), dbSNP rs2490918550, ClinGen allele CA2739265241.